The following is an entry in ClinVar:

ClinVar aggregate classification (germline): Uncertain significance (1 of 4 stars; one submission).

Conditions:
Severe combined immunodeficiency, autosomal recessive, T cell-negative, B cell-negative, NK cell-negative, due to adenosine deaminase deficiency. Also called: ADA deficiency; Adenosine deaminase deficient severe combined immunodeficiency; Severe combined immunodeficiency due to ADA deficiency; SCID DUE TO ADA DEFICIENCY; SCID DUE TO ADA DEFICIENCY, EARLY-ONSET; ADA-SCID. Identifiers: Orphanet 277, MedGen C0392607, MONDO:0007064, OMIM 102700.

Allele frequency attached by ClinVar (database versions not stated): gnomAD exomes below 0.00001; TOPMed 0.00002.
gnomAD v4.1: 2 of 1,588,294 alleles (0.00013%); highest among the groups gnomAD compares: Non-Finnish European, 0.00017%; no homozygotes.

Submission:

Labcorp Genetics (formerly Invitae), Labcorp
Classification: Uncertain significance for Severe combined immunodeficiency, autosomal recessive, T cell-negative, B cell-negative, NK cell-negative, due to adenosine deaminase deficiency. Last evaluated: 2021-08-31. Review status: criteria provided, single submitter. Criteria: Invitae Variant Classification Sherloc (09022015). Collection method: clinical testing. Allele origin: germline.
Comment: This sequence change replaces isoleucine with threonine at codon 151 of the ADA protein (p.Ile151Thr). The isoleucine residue is highly conserved and there is a moderate physicochemical difference between isoleucine and threonine. This variant is not present in population databases (ExAC no frequency). This variant has not been reported in the literature in individuals affected with ADA-related conditions. Algorithms developed to predict the effect of missense changes on protein structure and function (SIFT, PolyPhen-2, Align-GVGD) all suggest that this variant is likely to be disruptive. In summary, the available evidence is currently insufficient to determine the role of this variant in disease. Therefore, it has been classified as a Variant of Uncertain Significance.

NM_000022.4(ADA):c.452T>C (p.Ile151Thr)

Gene: ADA (adenosine deaminase; minus strand). Cytogenetic location: 20q13.12.
Variant type: single nucleotide variant.
Coding change: c.452T>C on transcript NM_000022.4 (MANE Select); coding-DNA position 452, T replaced by C.
Protein change: p.Ile151Thr; replaces isoleucine 151 with threonine.
Molecular consequence: missense variant. On other transcripts: non-coding transcript variant (1), intron variant (1).
Genome position (GRCh38, 1-based): chr20:44,625,595, A>G on the plus strand (T>C on the coding strand, the complement: ADA is on the minus strand). VCF-style: chr20-44625595-A-G. GRCh37 (hg19) VCF-style: chr20-43254236-A-G.
Other names: c.452T>C, p.Ile151Thr (NM_001322051.2); c.73+861T>C (NM_001322050.2); short protein forms I151T.
Identifiers: ClinVar variation 854608 (VCV000854608.6), dbSNP rs990121469, ClinGen allele CA315441563.
Genomic context (GRCh38, chr20:44,625,595, plus strand): 5'-GGGCGGCCCTGGGCAGGGCGGTGATCCTACTCACTGGGCTGGTGGCGCATGCAGCACAGG[A>G]TGGACCGGGCCTTGACCCCGAAGTCTCGCTCCCCCTCCTGCAGGCCCTGGCCCACTAGGG-3'
Protein context (NP_000013.2, residues 141-161): ERDFGVKARS[Ile151Thr]LCCMRHQPNW